The following is an entry in ClinVar:

NM_003803.4(MYOM1):c.4790G>T (p.Trp1597Leu)

Gene: MYOM1 (myomesin 1; minus strand). Cytogenetic location: 18p11.31.
Variant type: single nucleotide variant.
Coding change: c.4790G>T on transcript NM_003803.4 (MANE Select); coding-DNA position 4790, G replaced by T.
Protein change: p.Trp1597Leu; replaces tryptophan 1597 with leucine.
Molecular consequence: missense variant.
Genome position (GRCh38, 1-based): chr18:3,067,530, C>A on the plus strand (G>T on the coding strand, the complement: MYOM1 is on the minus strand). VCF-style: chr18-3067530-C-A. GRCh37 (hg19) VCF-style: chr18-3067528-C-A.
Other names: c.4502G>T, p.Trp1501Leu (NM_019856.2); short protein forms W1501L, W1597L.
Identifiers: ClinVar variation 3223571 (VCV003223571.3), dbSNP rs2510433349, ClinGen allele CA401705586.

ClinVar aggregate classification (germline): Uncertain significance. Review status: criteria provided, multiple submitters, no conflicts (2 of 4 stars). 2 submissions from 2 submitters: Uncertain significance (2). Last evaluated 2024-07-30.

Conditions:
Hypertrophic cardiomyopathy. Also called: HYPERTROPHIC MYOCARDIOPATHY. Identifiers: Orphanet 217569, MedGen C0007194, MeSH D002312, MONDO:0005045, HP:0001639.

gnomAD v4.1: 1 of 1,613,788 alleles (0.000062%); highest among the groups gnomAD compares: Non-Finnish European, 0.000085%; no homozygotes.

Submissions (2):

Labcorp Genetics (formerly Invitae), Labcorp
Classification: Uncertain significance for Hypertrophic cardiomyopathy. Last evaluated: 2024-07-30. Review status: criteria provided, single submitter. Criteria: Invitae Variant Classification Sherloc (09022015). Collection method: clinical testing. Allele origin: germline.
Comment: This sequence change replaces tryptophan, which is neutral and slightly polar, with leucine, which is neutral and non-polar, at codon 1597 of the MYOM1 protein (p.Trp1597Leu). This variant is not present in population databases (gnomAD no frequency). This variant has not been reported in the literature in individuals affected with MYOM1-related conditions. Advanced modeling of protein sequence and biophysical properties (such as structural, functional, and spatial information, amino acid conservation, physicochemical variation, residue mobility, and thermodynamic stability) performed at Invitae indicates that this missense variant is not expected to disrupt MYOM1 protein function with a negative predictive value of 80%. In summary, the available evidence is currently insufficient to determine the role of this variant in disease. Therefore, it has been classified as a Variant of Uncertain Significance.

Ambry Genetics
Classification: Uncertain significance. Last evaluated: 2023-11-09. Review status: criteria provided, single submitter. Criteria: Ambry Variant Classification Scheme 2023. Collection method: clinical testing. Allele origin: germline.
Comment: The p.W1597L variant (also known as c.4790G>T), located in coding exon 37 of the MYOM1 gene, results from a G to T substitution at nucleotide position 4790. The tryptophan at codon 1597 is replaced by leucine, an amino acid with similar properties. This amino acid position is conserved. In addition, this alteration is predicted to be tolerated by in silico analysis. Since supporting evidence is limited at this time, the clinical significance of this alteration remains unclear.